The following is an entry in ClinVar:

ClinVar aggregate classification (germline): Uncertain significance. Review status: criteria provided, multiple submitters, no conflicts (2 of 4 stars). 2 submissions from 2 submitters: Uncertain significance (2). Last evaluated 2024-04-09.

Conditions:
Inborn genetic diseases. Identifiers: MedGen C0950123, MeSH D030342.

Allele frequency attached by ClinVar (database versions not stated): gnomAD 0.00004 and 0.00006; TOPMed 0.00006; ESP Exome Variant Server 0.00008; gnomAD exomes 0.00013; ExAC 0.00015.
gnomAD v4.1: 130 of 1,613,894 alleles (0.0081%); highest among the groups gnomAD compares: South Asian, 0.09%; 2 homozygotes.

Submissions (2):

Ambry Genetics
Classification: Uncertain significance for Inborn genetic diseases. Last evaluated: 2024-04-09. Review status: criteria provided, single submitter. Criteria: Ambry Variant Classification Scheme 2023. Collection method: clinical testing. Allele origin: germline.

Labcorp Genetics (formerly Invitae), Labcorp
Classification: Uncertain significance. Last evaluated: 2023-02-16. Review status: criteria provided, single submitter. Criteria: Invitae Variant Classification Sherloc (09022015). Collection method: clinical testing. Allele origin: germline.
Comment: In summary, the available evidence is currently insufficient to determine the role of this variant in disease. Therefore, it has been classified as a Variant of Uncertain Significance. An algorithm developed to predict the effect of missense changes on protein structure and function (PolyPhen-2) suggests that this variant is likely to be disruptive. ClinVar contains an entry for this variant (Variation ID: 1357538). This variant has not been reported in the literature in individuals affected with RAB33B-related conditions. This variant is present in population databases (rs150536664, gnomAD 0.08%), including at least one homozygous and/or hemizygous individual. This sequence change replaces valine, which is neutral and non-polar, with methionine, which is neutral and non-polar, at codon 113 of the RAB33B protein (p.Val113Met).

NM_031296.3(RAB33B):c.337G>A (p.Val113Met)

Gene: RAB33B (RAB33B, member RAS oncogene family; plus strand). Cytogenetic location: 4q31.1.
Variant type: single nucleotide variant.
Coding change: c.337G>A on transcript NM_031296.3 (MANE Select); coding-DNA position 337, G replaced by A.
Protein change: p.Val113Met; replaces valine 113 with methionine.
Molecular consequence: missense variant.
Genome position (GRCh38, 1-based): chr4:139,472,773, G>A. VCF-style: chr4-139472773-G-A. GRCh37 (hg19) VCF-style: chr4-140393927-G-A.
Other names: c.337G>A (NM_031296.1); short protein forms V113M.
Identifiers: ClinVar variation 1357538 (VCV001357538.7), dbSNP rs150536664, ClinGen allele CA3084002.